The following is an entry in ClinVar:

ClinVar aggregate classification (germline): Pathogenic. Review status: criteria provided, multiple submitters, no conflicts (2 of 4 stars). 3 submissions from 3 submitters: Pathogenic (3). Last evaluated 2024-12-21.

Conditions:
Renal tubular acidosis with progressive nerve deafness. Also called: RENAL TUBULAR ACIDOSIS, AUTOSOMAL RECESSIVE, WITH PROGRESSIVE NERVE DEAFNESS; RTA WITH PROGRESSIVE NERVE DEAFNESS; Distal Renal Tubular Acidosis with Progressive Sensorineural Deafness; renal tubular acidosis, distal, 2, with progressive sensorineural hearing loss. Identifiers: MedGen C0403554, MONDO:0009968, OMIM 267300.

Submissions (3):

Myriad Genetics, Inc.
Classification: Pathogenic for Renal tubular acidosis with progressive nerve deafness. Last evaluated: 2024-12-21. Review status: criteria provided, single submitter. Criteria: Myriad Autosomal Dominant, Autosomal Recessive and X-Linked Classification Criteria (2023). Collection method: clinical testing. Allele origin: unknown.
Comment: NM_001692.3(ATP6V1B1):c.183delG(Q61Hfs*103) is expected to be pathogenic in the context of distal renal tubular acidosis with deafness, ATP6V1B1-related. This variant is predicted to lead to an abnormal or absent protein product due to the creation of a premature termination codon in ATP6V1B1, a gene where loss-of-function variants are known to be pathogenic. Please note: this variant was assessed in the context of healthy population screening.

Labcorp Genetics (formerly Invitae), Labcorp
Classification: Pathogenic. Last evaluated: 2021-04-09. Review status: criteria provided, single submitter. Criteria: Invitae Variant Classification Sherloc (09022015). Collection method: clinical testing. Allele origin: germline.
Comment: For these reasons, this variant has been classified as Pathogenic. This variant has not been reported in the literature in individuals with ATP6V1B1-related conditions. ClinVar contains an entry for this variant (Variation ID: 975088). This variant is not present in population databases (ExAC no frequency). This sequence change creates a premature translational stop signal (p.Gln61Hisfs*103) in the ATP6V1B1 gene. It is expected to result in an absent or disrupted protein product. Loss-of-function variants in ATP6V1B1 are known to be pathogenic (PMID: 9916796, 18368028).

Victorian Clinical Genetics Services, Murdoch Childrens Research Institute
Classification: Pathogenic for Renal tubular acidosis with progressive nerve deafness. Last evaluated: 2019-03-19. Review status: criteria provided, single submitter. Criteria: ACMG Guidelines, 2015. Collection method: clinical testing. Allele origin: unknown. Affected: yes.
Comment: A homozygous frameshift deletion variant, NM_001692.3(ATP6V1B1):c.183del, has been identified in exon 3 of 14 of the ATP6V1B1 gene. This deletion is predicted to create a frameshift starting at amino acid position 61, introducing a stop codon 103 residues downstream (NP_001683.2(ATP6V1B1):p.(Gln61Hisfs*103)). This variant is predicted to result in loss of protein function either through truncation (including the V-ATPase_V1_B domain) or nonsense-mediated decay, which is a reported mechanism of pathogenicity for this gene. The variant is absent in population databases (gnomAD). This variant has not been previously reported in clinical cases, however, homozygous and compound heterozygous variants predicted to result in nonsense-mediated decay have previously been shown to cause Renal tubular acidosis with deafness (ClinVar, HGMD, Karet, F. et al. (1999)). Based on the information available at the time of curation, this variant has been classified as PATHOGENIC.

Literature cited by the submitters: PubMed 9916796 (cited by Labcorp Genetics (formerly Invitae), Labcorp); PubMed 18368028 (cited by Labcorp Genetics (formerly Invitae), Labcorp).

NM_001692.4(ATP6V1B1):c.183del (p.Gln61fs)

Gene: ATP6V1B1 (ATPase H+ transporting V1 subunit B1; plus strand). Cytogenetic location: 2p13.3.
Variant type: Deletion.
Coding change: c.183del on transcript NM_001692.4 (MANE Select); coding-DNA position 183, one base deleted (G; older notation c.183delG).
Protein change: p.Gln61fs; shifts the reading frame from glutamine 61.
Molecular consequence: frameshift variant.
Genome position (GRCh38, 1-based): chr2:70,958,054, G deleted. VCF-style (leftmost placement, unchanged base first): chr2-70958053-AG-A. GRCh37 (hg19) VCF-style: chr2-71185183-AG-A.
Other names: short protein forms Q61fs.
Identifiers: ClinVar variation 975088 (VCV000975088.10), dbSNP rs1680484812, ClinGen allele CA1139657067.
Genomic context (GRCh38, chr2:70,958,053, plus strand): 5'-AGGGACTTTGCCTCCAGTCTCACTGTCACGTGGCTGCTCTCCCCTCCTGCCAGTTTGCCC[AG>A]TATGCGGAGATCGTCCACTTCACCCTCCCAGATGGGACTCAGAGGAGCGGGCAGGTGCTT-3'